The following is an entry in ClinVar:

NM_014413.4(EIF2AK1):c.344C>A (p.Ser115Ter)

Gene: EIF2AK1 (eukaryotic translation initiation factor 2 alpha kinase 1; minus strand). Cytogenetic location: 7p22.1.
Variant type: single nucleotide variant.
Coding change: c.344C>A on transcript NM_014413.4 (MANE Select); coding-DNA position 344, C replaced by A.
Protein change: p.Ser115Ter; replaces serine 115 with a stop codon.
Molecular consequence: nonsense.
Genome position (GRCh38, 1-based): chr7:6,049,979, G>T on the plus strand (C>A on the coding strand, the complement: EIF2AK1 is on the minus strand). VCF-style: chr7-6049979-G-T. GRCh37 (hg19) VCF-style: chr7-6089610-G-T.
Other names: c.344C>A, p.Ser115Ter (NM_001134335.2); short protein forms S115*.
Identifiers: ClinVar variation 4814244 (VCV004814244.1).

ClinVar aggregate classification (germline): Likely benign (1 of 4 stars; one submission).

Conditions:
Leukoencephalopathy, motor delay, spasticity, and dysarthria syndrome. Also called: LEMSPAD SYNDROME. Identifiers: MedGen C5394371, MONDO:0030036, OMIM 618878.

Submission:

Centre for Medical Genetics,  Mumbai
Classification: Likely benign for Leukoencephalopathy, motor delay, spasticity, and dysarthria syndrome. Last evaluated: 2026-03-02. Review status: criteria provided, single submitter. Criteria: ACMG Guidelines, 2015. Collection method: provider interpretation. Allele origin: germline. Inheritance: Autosomal dominant inheritance. Affected: no. Observed: 1 variant allele, 1 heterozygote.
Comment: The variant satisfies PM2 criteria; Extremely low frequency in gnomAD population databases. However, the variant satisfies BS2 criteria.

Literature cited by the submitters: PubMed 32197074.